The following is an entry in ClinVar:

ClinVar aggregate classification (germline): Uncertain significance (1 of 4 stars; one submission).

Conditions:
Glycogen storage disease IXd (GSD9D). Also called: Muscle Phosphorylase Kinase Deficiency; GSD IXd. Identifiers: Orphanet 715, MedGen C1845151, MONDO:0010362, OMIM 300559.

Submission:

Labcorp Genetics (formerly Invitae), Labcorp
Classification: Uncertain significance for Glycogen storage disease IXd. Last evaluated: 2025-03-27. Review status: criteria provided, single submitter. Criteria: Invitae Variant Classification Sherloc (09022015). Collection method: clinical testing. Allele origin: germline.
Comment: This sequence change replaces histidine, which is basic and polar, with asparagine, which is neutral and polar, at codon 674 of the PHKA1 protein (p.His674Asn). This variant is not present in population databases (gnomAD no frequency). This variant has not been reported in the literature in individuals affected with PHKA1-related conditions. Invitae Evidence Modeling of protein sequence and biophysical properties (such as structural, functional, and spatial information, amino acid conservation, physicochemical variation, residue mobility, and thermodynamic stability) indicates that this missense variant is not expected to disrupt PHKA1 protein function with a negative predictive value of 80%. In summary, the available evidence is currently insufficient to determine the role of this variant in disease. Therefore, it has been classified as a Variant of Uncertain Significance.

NM_002637.4(PHKA1):c.2020C>A (p.His674Asn)

Gene: PHKA1 (phosphorylase kinase regulatory subunit alpha 1; minus strand). Cytogenetic location: Xq13.1.
Variant type: single nucleotide variant.
Coding change: c.2020C>A on transcript NM_002637.4 (MANE Select); coding-DNA position 2020, C replaced by A.
Protein change: p.His674Asn; replaces histidine 674 with asparagine.
Molecular consequence: missense variant. On other transcripts: intron variant (1).
Genome position (GRCh38, 1-based): chrX:72,620,842, G>T on the plus strand (C>A on the coding strand, the complement: PHKA1 is on the minus strand). VCF-style: chrX-72620842-G-T. GRCh37 (hg19) VCF-style: chrX-71840692-G-T.
Other names: c.2020C>A, p.His674Asn (NM_001122670.2, NM_001431068.1); c.1961-1537C>A (NM_001172436.2); short protein forms H674N.
Identifiers: ClinVar variation 3631997 (VCV003631997.2).